The following is an entry in ClinVar:

ClinVar aggregate classification (germline): Uncertain significance (1 of 4 stars; one submission).

Conditions:
Dilated cardiomyopathy 1DD (CMD1DD). Identifiers: Orphanet 154, MedGen C2750995, MONDO:0013168, OMIM 613172.

Submission:

Labcorp Genetics (formerly Invitae), Labcorp
Classification: Uncertain significance for Dilated cardiomyopathy 1DD. Last evaluated: 2025-06-23. Review status: criteria provided, single submitter. Criteria: Invitae Variant Classification Sherloc (09022015). Collection method: clinical testing. Allele origin: germline.
Comment: This sequence change replaces proline, which is neutral and non-polar, with alanine, which is neutral and non-polar, at codon 464 of the RBM20 protein (p.Pro464Ala). This variant is not present in population databases (gnomAD no frequency). This variant has not been reported in the literature in individuals affected with RBM20-related conditions. Invitae Evidence Modeling of protein sequence and biophysical properties (such as structural, functional, and spatial information, amino acid conservation, physicochemical variation, residue mobility, and thermodynamic stability) indicates that this missense variant is not expected to disrupt RBM20 protein function with a negative predictive value of 95%. In summary, the available evidence is currently insufficient to determine the role of this variant in disease. Therefore, it has been classified as a Variant of Uncertain Significance.

NM_001134363.3(RBM20):c.1390C>G (p.Pro464Ala)

Gene: RBM20 (RNA binding motif protein 20; plus strand). Cytogenetic location: 10q25.2.
Variant type: single nucleotide variant.
Coding change: c.1390C>G on transcript NM_001134363.3 (MANE Select); coding-DNA position 1390, C replaced by G.
Protein change: p.Pro464Ala; replaces proline 464 with alanine.
Molecular consequence: missense variant.
Genome position (GRCh38, 1-based): chr10:110,784,393, C>G. VCF-style: chr10-110784393-C-G. GRCh37 (hg19) VCF-style: chr10-112544151-C-G.
Other names: short protein forms P464A.
Identifiers: ClinVar variation 4802651 (VCV004802651.1).
Genomic context (GRCh38, chr10:110,784,393, plus strand): 5'-CTCTCCAGTGCTGGCATCCGGTGTATACTTGGTTCGGCAGAGGGAACATTGTGTGCTTCT[C>G]CCAACAGCACAGCTGTTTATAACCCTGCTGGGAATGAAGGTGAGCAAGGCCCTACAGGTC-3'
Protein context (NP_001127835.2, residues 454-474): GSAEGTLCAS[Pro464Ala]NSTAVYNPAG